The following is an entry in ClinVar:

ClinVar aggregate classification (germline): Uncertain significance (1 of 4 stars; one submission).

Submission:

CeGaT Center for Human Genetics Tuebingen
Classification: Uncertain significance. Last evaluated: 2024-08-01. Review status: criteria provided, single submitter. Criteria: CeGaT Center For Human Genetics Tuebingen Variant Classification Criteria Version 2. Collection method: clinical testing. Allele origin: germline. Affected: yes. Observed: 1 variant allele.
Comment: SPG7: PM2

NM_003119.4(SPG7):c.1476C>G (p.His492Gln)

Gene: SPG7 (SPG7 matrix AAA peptidase subunit, paraplegin; plus strand). Cytogenetic location: 16q24.3.
Variant type: single nucleotide variant.
Coding change: c.1476C>G on transcript NM_003119.4 (MANE Select); coding-DNA position 1476, C replaced by G.
Protein change: p.His492Gln; replaces histidine 492 with glutamine.
Molecular consequence: missense variant.
Genome position (GRCh38, 1-based): chr16:89,546,684, C>G. VCF-style: chr16-89546684-C-G. GRCh37 (hg19) VCF-style: chr16-89613092-C-G.
Other names: c.1476C>G, p.His492Gln (NM_001363850.1); short protein forms H492Q.
Identifiers: ClinVar variation 3342218 (VCV003342218.16).